The following is an entry in ClinVar:

ClinVar aggregate classification (germline): Uncertain significance (1 of 4 stars; one submission).

Allele frequency attached by ClinVar (database versions not stated): gnomAD exomes below 0.00001; gnomAD 0.00001; TOPMed 0.00001; 1000 Genomes Project 30x 0.00031.
gnomAD v4.1: 7 of 1,584,110 alleles (0.00044%); highest among the groups gnomAD compares: African/African-American, 0.0027%; no homozygotes.

Submission:

CeGaT Center for Human Genetics Tuebingen
Classification: Uncertain significance. Last evaluated: 2024-05-01. Review status: criteria provided, single submitter. Criteria: CeGaT Center For Human Genetics Tuebingen Variant Classification Criteria Version 2. Collection method: clinical testing. Allele origin: germline. Affected: yes. Observed: 1 variant allele.
Comment: SLC33A1: PM2, BP4

NM_004733.4(SLC33A1):c.1237G>A (p.Val413Ile)

Gene: SLC33A1 (solute carrier family 33 member 1; minus strand). Cytogenetic location: 3q25.31.
Variant type: single nucleotide variant.
Coding change: c.1237G>A on transcript NM_004733.4 (MANE Select); coding-DNA position 1237, G replaced by A.
Protein change: p.Val413Ile; replaces valine 413 with isoleucine.
Molecular consequence: missense variant. On other transcripts: intron variant (1).
Genome position (GRCh38, 1-based): chr3:155,833,497, C>T on the plus strand (G>A on the coding strand, the complement: SLC33A1 is on the minus strand). VCF-style: chr3-155833497-C-T. GRCh37 (hg19) VCF-style: chr3-155551286-C-T.
Other names: c.1237G>A, p.Val413Ile (NM_001190992.2); c.960+360G>A (NM_001363883.1); short protein forms V413I.
Identifiers: ClinVar variation 3239339 (VCV003239339.19), dbSNP rs567516961.
Genomic context (GRCh38, chr3:155,833,497, plus strand): 5'-TTATTTCCTGAGAAAACCACTGCAAGCTTACCTGATGTAAAGCATAACTCAGCAGGACTA[C>T]GATATAGTAATATATAGGGAATCCCCCTTGATGTTCTACTTTAGGAGTCCACCAAACCAG-3'
Protein context (NP_004724.1, residues 403-423): QGGFPIYYYI[Val413Ile]VLLSYALHQV